The following is an entry in ClinVar:

ClinVar aggregate classification (germline): Benign/Likely benign. Review status: criteria provided, multiple submitters, no conflicts (2 of 4 stars). 11 submissions from 11 submitters: Benign (8); Likely benign (1). 2 of the submissions do not count toward it. Last evaluated 2026-08-01.

Conditions:
Microcephalic osteodysplastic primordial dwarfism type II (MOPD2). Also called: MOPD II; Microcephalic osteodysplastic primordial dwarfism with tooth abnormalities; OSTEODYSPLASTIC PRIMORDIAL DWARFISM, TYPE II. Identifiers: Orphanet 2637, MedGen C0432246, MONDO:0008872, OMIM 210720.

Allele frequency attached by ClinVar (database versions not stated): 1000 Genomes Project 0.00619; 1000 Genomes Project 30x 0.00656; ESP Exome Variant Server 0.01196; TOPMed 0.01382; gnomAD exomes 0.01405; gnomAD 0.01490 and 0.01548; ExAC 0.01743.
gnomAD v4.1: 30,356 of 1,606,570 alleles (1.9%); highest among the groups gnomAD compares: Non-Finnish European, 2.3%; 366 homozygotes.

Submissions 1 to 28 of 71:

CeGaT Center for Human Genetics Tuebingen
Classification: Benign. Last evaluated: 2026-08-01. Review status: criteria provided, single submitter. Criteria: CeGaT Center For Human Genetics Tuebingen Variant Classification Criteria Version 2. Collection method: clinical testing. Allele origin: germline. Affected: yes. Observed: 46 variant alleles.
Comment: PCNT: PP3, BS1, BS2

Labcorp Genetics (formerly Invitae), Labcorp
Classification: Benign. Last evaluated: 2026-02-04. Review status: criteria provided, single submitter. Criteria: Invitae Variant Classification Sherloc (09022015). Collection method: clinical testing. Allele origin: germline.

Blueprint Genetics
Classification: Likely benign. Last evaluated: 2024-11-28. Review status: criteria provided, single submitter. Criteria: ACMG Guidelines, 2015. Collection method: clinical testing. Allele origin: germline.

ARUP Laboratories, Molecular Genetics and Genomics, ARUP Laboratories
Classification: Benign for Microcephalic osteodysplastic primordial dwarfism type II. Last evaluated: 2024-09-06. Review status: criteria provided, single submitter. Criteria: ARUP Molecular Germline Variant Investigation Process 2024. Collection method: clinical testing. Allele origin: germline.

Illumina Laboratory Services, Illumina
Classification: Benign for Microcephalic osteodysplastic primordial dwarfism type II. Last evaluated: 2018-01-13. Review status: criteria provided, single submitter. Criteria: ICSL Variant Classification Criteria 13 December 2019. Collection method: clinical testing. Allele origin: germline.
Comment: This variant was observed in the ICSL laboratory as part of a predisposition screen in an ostensibly healthy population. It had not been previously curated by ICSL or reported in the Human Gene Mutation Database (HGMD: prior to June 1st, 2018), and was therefore a candidate for classification through an automated scoring system. Utilizing variant allele frequency, disease prevalence and penetrance estimates, and inheritance mode, an automated score was calculated to assess if this variant is too frequent to cause the disease. Based on the score and internal cut-off values, a variant classified as benign is not then subjected to further curation. The score for this variant resulted in a classification of benign for this disease.

Eurofins Ntd Llc (ga)
Classification: Benign. Last evaluated: 2014-12-09. Review status: criteria provided, single submitter. Criteria: EGL Classification Definitions 2015. Collection method: clinical testing. Allele origin: germline. Observed: 1 variant allele, 1 heterozygote.

GeneDx
Classification: Benign. Last evaluated: 2014-03-31. Review status: criteria provided, single submitter. Criteria: GeneDx Variant Classification (06012015). Collection method: clinical testing. Allele origin: germline. Affected: yes.
Comment: This variant is considered likely benign or benign based on one or more of the following criteria: it is a conservative change, it occurs at a poorly conserved position in the protein, it is predicted to be benign by multiple in silico algorithms, and/or has population frequency not consistent with disease.

Genetic Services Laboratory, University of Chicago
Classification: Benign. Last evaluated: 2013-02-08. Review status: criteria provided, single submitter. Criteria: ACMG Guidelines, 2007. Collection method: clinical testing. Allele origin: germline. Inheritance: Autosomal recessive inheritance.

Breakthrough Genomics
Classification: Benign. Review status: criteria provided, single submitter. Criteria: ACMG Guidelines, 2015. Collection method: not provided. Allele origin: germline. Inheritance: Autosomal recessive inheritance. Affected: yes.

Clinical Genetics DNA and cytogenetics Diagnostics Lab, Erasmus MC, Erasmus Medical Center
Classification: Likely benign. Review status: no assertion criteria provided. Collection method: clinical testing. Allele origin: germline. Affected: yes. Study: VKGL Data-share Consensus. Not counted in ClinVar's aggregate classification.

Dr. Peter K. Rogan Lab, Western University
No classification provided (evidence only). Condition: Clear cell carcinoma of kidney. Review status: no classification provided. Collection method: in vitro. Allele origin: not applicable. Functional consequence: retained intron. Not counted in ClinVar's aggregate classification.

Dr. Peter K. Rogan Lab, Western University
No classification provided (evidence only). Condition: Clear cell carcinoma of kidney. Review status: no classification provided. Collection method: in vitro. Allele origin: not applicable. Functional consequence: retained intron. Not counted in ClinVar's aggregate classification.

Dr. Peter K. Rogan Lab, Western University
No classification provided (evidence only). Condition: Clear cell carcinoma of kidney. Review status: no classification provided. Collection method: in vitro. Allele origin: not applicable. Functional consequence: retained intron. Not counted in ClinVar's aggregate classification.

Dr. Peter K. Rogan Lab, Western University
No classification provided (evidence only). Condition: Clear cell carcinoma of kidney. Review status: no classification provided. Collection method: in vitro. Allele origin: not applicable. Functional consequence: retained intron. Not counted in ClinVar's aggregate classification.

Dr. Peter K. Rogan Lab, Western University
No classification provided (evidence only). Condition: Lung cancer. Review status: no classification provided. Collection method: in vitro. Allele origin: not applicable. Functional consequence: retained intron. Not counted in ClinVar's aggregate classification.

Dr. Peter K. Rogan Lab, Western University
No classification provided (evidence only). Condition: Lung cancer. Review status: no classification provided. Collection method: in vitro. Allele origin: not applicable. Functional consequence: retained intron. Not counted in ClinVar's aggregate classification.

Dr. Peter K. Rogan Lab, Western University
No classification provided (evidence only). Condition: Lung cancer. Review status: no classification provided. Collection method: in vitro. Allele origin: not applicable. Functional consequence: skipped exon. Not counted in ClinVar's aggregate classification.

Dr. Peter K. Rogan Lab, Western University
No classification provided (evidence only). Condition: Lung cancer. Review status: no classification provided. Collection method: in vitro. Allele origin: not applicable. Functional consequence: retained intron. Not counted in ClinVar's aggregate classification.

Dr. Peter K. Rogan Lab, Western University
No classification provided (evidence only). Condition: Lung cancer. Review status: no classification provided. Collection method: in vitro. Allele origin: not applicable. Functional consequence: retained intron. Not counted in ClinVar's aggregate classification.

Dr. Peter K. Rogan Lab, Western University
No classification provided (evidence only). Condition: Melanoma. Review status: no classification provided. Collection method: in vitro. Allele origin: not applicable. Functional consequence: retained intron. Not counted in ClinVar's aggregate classification.

Dr. Peter K. Rogan Lab, Western University
No classification provided (evidence only). Condition: Melanoma. Review status: no classification provided. Collection method: in vitro. Allele origin: not applicable. Functional consequence: retained intron. Not counted in ClinVar's aggregate classification.

Dr. Peter K. Rogan Lab, Western University
No classification provided (evidence only). Condition: Melanoma. Review status: no classification provided. Collection method: in vitro. Allele origin: not applicable. Functional consequence: retained intron. Not counted in ClinVar's aggregate classification.

Dr. Peter K. Rogan Lab, Western University
No classification provided (evidence only). Condition: Colon adenocarcinoma. Review status: no classification provided. Collection method: in vitro. Allele origin: not applicable. Functional consequence: retained intron. Not counted in ClinVar's aggregate classification.

Dr. Peter K. Rogan Lab, Western University
No classification provided (evidence only). Condition: Colorectal cancer. Review status: no classification provided. Collection method: in vitro. Allele origin: not applicable. Functional consequence: retained intron. Not counted in ClinVar's aggregate classification.

Dr. Peter K. Rogan Lab, Western University
No classification provided (evidence only). Condition: Thyroid cancer, nonmedullary, 1. Review status: no classification provided. Collection method: in vitro. Allele origin: not applicable. Functional consequence: retained intron. Not counted in ClinVar's aggregate classification.

Dr. Peter K. Rogan Lab, Western University
No classification provided (evidence only). Condition: Thyroid cancer, nonmedullary, 1. Review status: no classification provided. Collection method: in vitro. Allele origin: not applicable. Functional consequence: retained intron. Not counted in ClinVar's aggregate classification.

Dr. Peter K. Rogan Lab, Western University
No classification provided (evidence only). Condition: Thyroid cancer, nonmedullary, 1. Review status: no classification provided. Collection method: in vitro. Allele origin: not applicable. Functional consequence: retained intron. Not counted in ClinVar's aggregate classification.

Dr. Peter K. Rogan Lab, Western University
No classification provided (evidence only). Condition: Thyroid cancer, nonmedullary, 1. Review status: no classification provided. Collection method: in vitro. Allele origin: not applicable. Functional consequence: retained intron. Not counted in ClinVar's aggregate classification.

NM_006031.6(PCNT):c.7652C>T (p.Ala2551Val)

Gene: PCNT (pericentrin; plus strand). Cytogenetic location: 21q22.3.
Variant type: single nucleotide variant.
Coding change: c.7652C>T on transcript NM_006031.6 (MANE Select); coding-DNA position 7652, C replaced by T.
Protein change: p.Ala2551Val; replaces alanine 2551 with valine.
Molecular consequence: missense variant.
Genome position (GRCh38, 1-based): chr21:46,428,552, C>T. VCF-style: chr21-46428552-C-T. GRCh37 (hg19) VCF-style: chr21-47848466-C-T.
Other names: p.A2551V:GCG>GTG; c.7298C>T, p.Ala2433Val (NM_001315529.2); short protein forms A2551V, A2433V.
Identifiers: ClinVar variation 138605 (VCV000138605.62), dbSNP rs12481791, ClinGen allele CA173098.
Genomic context (GRCh38, chr21:46,428,552, plus strand): 5'-CGCACCTGCAGAACCAGGAGAAGCTGCAGCACTTGCGCACGGCGCTGACAAGCGCAGAGG[C>T]GCGCGGGAGCCAGCAGGAGCACCAGCTGCGCAGGCAGGGTGGGTGTCACTGTCTACACTG-3'
Protein context (NP_006022.3, residues 2541-2561): HLRTALTSAE[Ala2551Val]RGSQQEHQLR